The following is an entry in ClinVar:

ClinVar aggregate classification (germline): Uncertain significance (1 of 4 stars; one submission).

gnomAD v4.1: 1 of 1,123,183 alleles (0.000089%); highest among the groups gnomAD compares: Non-Finnish European, 0.00012%; no homozygotes.

Submission:

GeneDx
Classification: Uncertain significance. Last evaluated: 2020-03-06. Review status: criteria provided, single submitter. Criteria: GeneDx Variant Classification Process June 2021. Collection method: clinical testing. Allele origin: germline. Affected: yes.
Comment: Not observed in large population cohorts (Lek et al., 2016); In silico analysis supports that this variant does not alter splicing; Has not been previously published as pathogenic or benign to our knowledge

NM_001081550.2(THOC2):c.1386G>A (p.Glu462=)

Gene: THOC2 (THO complex subunit 2; minus strand). Cytogenetic location: Xq25.
Variant type: single nucleotide variant.
Coding change: c.1386G>A on transcript NM_001081550.2 (MANE Select); coding-DNA position 1386, G replaced by A.
Protein change: p.Glu462=; no amino-acid change (glutamic acid 462 retained).
Molecular consequence: synonymous variant.
Genome position (GRCh38, 1-based): chrX:123,665,642, C>T on the plus strand (G>A on the coding strand, the complement: THOC2 is on the minus strand). VCF-style: chrX-123665642-C-T. GRCh37 (hg19) VCF-style: chrX-122799493-C-T.
Identifiers: ClinVar variation 1315273 (VCV001315273.2), dbSNP rs2147798028, ClinGen allele CA518177822.